The following is an entry in ClinVar:

ClinVar aggregate classification (germline): Pathogenic (1 of 4 stars; one submission).

Conditions:
Ataxia-telangiectasia syndrome (AT). Also called: Cerebello-oculocutaneous telangiectasia; Immunodeficiency with ataxia telangiectasia; ATAXIA-TELANGIECTASIA, FRESNO VARIANT; Ataxia-telangiectasia, complementation group D; Ataxia telangiectasia (A-T); LOUIS-BAR SYNDROME. Identifiers: Orphanet 100, MedGen C0004135, MONDO:0008840, OMIM 208900.

Submission:

Labcorp Genetics (formerly Invitae), Labcorp
Classification: Pathogenic for Ataxia-telangiectasia syndrome. Last evaluated: 2020-10-21. Review status: criteria provided, single submitter. Criteria: Invitae Variant Classification Sherloc (09022015). Collection method: clinical testing. Allele origin: germline.
Comment: For these reasons, this variant has been classified as Pathogenic. This variant has not been reported in the literature in individuals with ATM-related conditions. This variant is not present in population databases (ExAC no frequency). This sequence change creates a premature translational stop signal (p.Val566*) in the ATM gene. It is expected to result in an absent or disrupted protein product. Loss-of-function variants in ATM are known to be pathogenic (PMID: 23807571, 25614872).

Literature cited by the submitters: PubMed 23807571; PubMed 25614872.

NM_000051.4(ATM):c.1695del (p.Glu565_Val566insTer)

Gene: ATM (ATM serine/threonine kinase; plus strand). Cytogenetic location: 11q22.3.
Variant type: Deletion.
Coding change: c.1695del on transcript NM_000051.4 (MANE Select); coding-DNA position 1695, one base deleted (A; older notation c.1695delA).
Protein change: p.Glu565_Val566insTer.
Molecular consequence: frameshift variant.
Genome position (GRCh38, 1-based): chr11:108,251,924, A deleted; the last of 2 consecutive A bases (chr11:108,251,923-108,251,924); deleting either gives the same sequence. VCF-style (leftmost placement, unchanged base first): chr11-108251922-GA-G. GRCh37 (hg19) VCF-style: chr11-108122649-GA-G.
Other names: c.1695del, p.Glu565_Val566insTer (NM_001351834.2).
Identifiers: ClinVar variation 1074651 (VCV001074651.7), dbSNP rs2135341489, ClinGen allele CA2499220572.